The following is an entry in ClinVar:

NM_002890.3(RASA1):c.2962A>G (p.Arg988Gly)

Genes: CCNH (cyclin H; minus strand), RASA1 (RAS p21 protein activator 1; plus strand). Cytogenetic location: 5q14.3.
Variant type: single nucleotide variant.
Coding change: c.2962A>G on transcript NM_002890.3 (MANE Select); coding-DNA position 2962, A replaced by G.
Protein change: p.Arg988Gly; replaces arginine 988 with glycine.
Molecular consequence: missense variant. On other transcripts: intron variant (1).
Genome position (GRCh38, 1-based): chr5:87,389,429, A>G. VCF-style: chr5-87389429-A-G. GRCh37 (hg19) VCF-style: chr5-86685246-A-G.
Other names: c.2431A>G, p.Arg811Gly (NM_022650.3); c.933+5615T>C (NM_001364075.2); short protein forms R811G, R988G.
Identifiers: ClinVar variation 3705885 (VCV003705885.2).

ClinVar aggregate classification (germline): Uncertain significance (1 of 4 stars; one submission).

Conditions:
Capillary malformation-arteriovenous malformation syndrome. Also called: Capillary malformation-arteriovenous malformation. Identifiers: Orphanet 137667, MedGen C1842180, MONDO:0012016.

gnomAD v4.1: 1 of 1,614,190 alleles (0.000062%); highest among the groups gnomAD compares: Non-Finnish European, 0.000085%; no homozygotes.

Submission:

Labcorp Genetics (formerly Invitae), Labcorp
Classification: Uncertain significance for Capillary malformation-arteriovenous malformation syndrome. Last evaluated: 2024-07-23. Review status: criteria provided, single submitter. Criteria: Invitae Variant Classification Sherloc (09022015). Collection method: clinical testing. Allele origin: germline.
Comment: This sequence change replaces arginine, which is basic and polar, with glycine, which is neutral and non-polar, at codon 988 of the RASA1 protein (p.Arg988Gly). This variant is not present in population databases (gnomAD no frequency). This variant has not been reported in the literature in individuals affected with RASA1-related conditions. An algorithm developed to predict the effect of missense changes on protein structure and function (PolyPhen-2) suggests that this variant is likely to be tolerated. In summary, the available evidence is currently insufficient to determine the role of this variant in disease. Therefore, it has been classified as a Variant of Uncertain Significance.